The following is an entry in ClinVar:

NM_032578.4(MYPN):c.1865A>G (p.Gln622Arg)

Gene: MYPN (myopalladin; plus strand). Cytogenetic location: 10q21.3.
Variant type: single nucleotide variant.
Coding change: c.1865A>G on transcript NM_032578.4 (MANE Select); coding-DNA position 1865, A replaced by G.
Protein change: p.Gln622Arg; replaces glutamine 622 with arginine.
Molecular consequence: missense variant. On other transcripts: non-coding transcript variant (2).
Genome position (GRCh38, 1-based): chr10:68,166,558, A>G. VCF-style: chr10-68166558-A-G. GRCh37 (hg19) VCF-style: chr10-69926315-A-G.
Other names: c.1865A>G, p.Gln622Arg (NM_001256267.2); c.983A>G, p.Gln328Arg (NM_001256268.2); short protein forms Q328R, Q622R.
Identifiers: ClinVar variation 1414485 (VCV001414485.6), dbSNP rs2134169106, ClinGen allele CA376840533.
Genomic context (GRCh38, chr10:68,166,558, plus strand): 5'-TGCCTGAAGATGACAAAGGAAGTGAAGCATCCTCCGAGGCTGGTGTGGTGACCACCAGAC[A>G]GACCAGGCCCGATTCTTTCCAGGAGAGGTTCAACGGACAGGCAACAAAAACCCCAGAGCC-3'
Protein context (NP_115967.2, residues 612-632): SSEAGVVTTR[Gln622Arg]TRPDSFQERF

ClinVar aggregate classification (germline): Uncertain significance (1 of 4 stars; one submission).

Conditions:
Dilated cardiomyopathy 1KK (CMD1KK). Identifiers: Orphanet 154, Orphanet 75249, MedGen C3714995, MONDO:0014100, OMIM 615248.

Submission:

Labcorp Genetics (formerly Invitae), Labcorp
Classification: Uncertain significance for Dilated cardiomyopathy 1KK. Last evaluated: 2021-10-25. Review status: criteria provided, single submitter. Criteria: Invitae Variant Classification Sherloc (09022015). Collection method: clinical testing. Allele origin: germline.
Comment: In summary, the available evidence is currently insufficient to determine the role of this variant in disease. Therefore, it has been classified as a Variant of Uncertain Significance. Algorithms developed to predict the effect of missense changes on protein structure and function (SIFT, PolyPhen-2, Align-GVGD) all suggest that this variant is likely to be tolerated. This variant has not been reported in the literature in individuals affected with MYPN-related conditions. This variant is not present in population databases (ExAC no frequency). This sequence change replaces glutamine with arginine at codon 622 of the MYPN protein (p.Gln622Arg). The glutamine residue is moderately conserved and there is a small physicochemical difference between glutamine and arginine.